The following is an entry in ClinVar:

NM_182916.3(TRNT1):c.1081C>T (p.Arg361Cys)

Gene: TRNT1 (tRNA nucleotidyl transferase 1; plus strand). Cytogenetic location: 3p26.2.
Variant type: single nucleotide variant.
Coding change: c.1081C>T on transcript NM_182916.3 (MANE Select); coding-DNA position 1081, C replaced by T.
Protein change: p.Arg361Cys; replaces arginine 361 with cysteine.
Molecular consequence: missense variant. On other transcripts: non-coding transcript variant (8).
Genome position (GRCh38, 1-based): chr3:3,147,930, C>T. VCF-style: chr3-3147930-C-T. GRCh37 (hg19) VCF-style: chr3-3189614-C-T.
Other names: c.1081C>T, p.Arg361Cys (LRG_1314t1, NM_001367321.1, NM_001367322.1 and 1 more transcripts); c.1021C>T, p.Arg341Cys (NM_001302946.2); short protein forms R361C, R341C.
Identifiers: ClinVar variation 647360 (VCV000647360.3), dbSNP rs770721227, ClinGen allele CA68735093.

ClinVar aggregate classification (germline): Uncertain significance (1 of 4 stars; one submission).

Conditions:
Congenital sideroblastic anemia-B-cell immunodeficiency-periodic fever-developmental delay syndrome. Also called: Sideroblastic anemia with B-cell immunodeficiency, periodic fevers, and developmental delay. Identifiers: Orphanet 369861, MedGen C4015172, MONDO:0014487, OMIM 616084.

Allele frequency attached by ClinVar (database versions not stated): gnomAD exomes 0.00001; gnomAD 0.00005 and 0.00006; TOPMed 0.00011.
gnomAD v4.1: 28 of 1,613,354 alleles (0.0017%); highest among the groups gnomAD compares: Admixed American, 0.02%; no homozygotes.

Submission:

Labcorp Genetics (formerly Invitae), Labcorp
Classification: Uncertain significance for Congenital sideroblastic anemia-B-cell immunodeficiency-periodic fever-developmental delay syndrome. Last evaluated: 2022-08-31. Review status: criteria provided, single submitter. Criteria: Invitae Variant Classification Sherloc (09022015). Collection method: clinical testing. Allele origin: germline.
Comment: This sequence change replaces arginine, which is basic and polar, with cysteine, which is neutral and slightly polar, at codon 361 of the TRNT1 protein (p.Arg361Cys). This variant is present in population databases (rs770721227, gnomAD 0.005%). This variant has not been reported in the literature in individuals affected with TRNT1-related conditions. ClinVar contains an entry for this variant (Variation ID: 647360). Algorithms developed to predict the effect of missense changes on protein structure and function are either unavailable or do not agree on the potential impact of this missense change (SIFT: "Deleterious"; PolyPhen-2: "Benign"; Align-GVGD: "Class C25"). In summary, the available evidence is currently insufficient to determine the role of this variant in disease. Therefore, it has been classified as a Variant of Uncertain Significance.